The following is an entry in ClinVar:

NM_004500.4(HNRNPC):c.117G>T (p.Lys39Asn)

Gene: HNRNPC (heterogeneous nuclear ribonucleoprotein C; minus strand). Cytogenetic location: 14q11.2.
Variant type: single nucleotide variant.
Coding change: c.117G>T on transcript NM_004500.4 (MANE Select); coding-DNA position 117, G replaced by T.
Protein change: p.Lys39Asn; replaces lysine 39 with asparagine.
Molecular consequence: missense variant.
Genome position (GRCh38, 1-based): chr14:21,234,077, C>A on the plus strand (G>T on the coding strand, the complement: HNRNPC is on the minus strand). VCF-style: chr14-21234077-C-A. GRCh37 (hg19) VCF-style: chr14-21702236-C-A.
Other names: c.117G>T, p.Lys39Asn (NM_001077442.2, NM_001077443.2, NM_031314.3); short protein forms K39N.
Identifiers: ClinVar variation 5022676 (VCV005022676.1).
Genomic context (GRCh38, chr14:21,234,077, plus strand): 5'-ATTAACATACTGAACGAAGGCAAAGCCCTTATGAACAGAGCAGCCCACAATTTTGCCATA[C>A]TTCGAAAAGATTGCCTCCACATCAGATTTCTTGACCACAAGAGTGTTGAGATTCCCAATG-3'
Protein context (NP_004491.2, residues 29-49): KKSDVEAIFS[Lys39Asn]YGKIVGCSVH

ClinVar aggregate classification (germline): Uncertain significance (1 of 4 stars; one submission).

Conditions:
Inborn genetic diseases. Identifiers: MedGen C0950123, MeSH D030342.

Submission:

Ambry Genetics
Classification: Uncertain significance for Inborn genetic diseases. Last evaluated: 2026-08-04. Review status: criteria provided, single submitter. Criteria: Ambry Variant Classification Scheme 2023. Collection method: clinical testing. Allele origin: germline.
Comment: The c.117G>T (p.K39N) alteration is located in exon 3 (coding exon 1) of the HNRNPC gene. This alteration results from a G to T substitution at nucleotide position 117, causing the lysine (K) at amino acid position 39 to be replaced by an asparagine (N). Based on data from gnomAD, the T allele has an overall frequency of <0.001% (0/250066) total alleles studied. The highest observed frequency was <0.001% (/) of alleles. Based on insufficient or conflicting evidence, the clinical significance of this alteration remains unclear.